The following is an entry in ClinVar:

NM_002734.5(PRKAR1A):c.565_566insC (p.Glu189fs)

Gene: PRKAR1A (protein kinase cAMP-dependent type I regulatory subunit alpha; plus strand). Cytogenetic location: 17q24.2.
Variant type: Insertion.
Coding change: c.565_566insC on transcript NM_002734.5 (MANE Select); coding-DNA positions 565 to 566, C inserted.
Protein change: p.Glu189fs; shifts the reading frame from glutamic acid 189.
Molecular consequence: frameshift variant.
Genome position: GRCh38 VCF-style: chr17-68525769-G-GC. GRCh37 (hg19) VCF-style: chr17-66521910-G-GC.
Other names: c.565_566insC, p.Glu189fs (NM_001276289.2, NM_001276290.1, NM_001278433.2 and 4 more transcripts); short protein forms E189fs.
Identifiers: ClinVar variation 1180493 (VCV001180493.1), dbSNP rs2143321666, ClinGen allele CA2499224872.

ClinVar aggregate classification (germline): Likely pathogenic (1 of 4 stars; one submission).

Conditions:
Arrhythmogenic right ventricular dysplasia 10. Also called: Arrhythmogenic right ventricular dysplasia/cardiomyopathy, type 10; Arrhythmogenic Right Ventricular Dysplasia/Cardiomyopathy10; ARRHYTHMOGENIC RIGHT VENTRICULAR DYSPLASIA, FAMILIAL, 10. Identifiers: MedGen C1857777, MONDO:0012434, OMIM 610193.

Submission:

Human Genome Sequencing Center Clinical Lab, Baylor College of Medicine
Classification: Likely pathogenic for Arrhythmogenic right ventricular dysplasia 10. Last evaluated: 2019-10-31. Review status: criteria provided, single submitter. Criteria: ACMG Guidelines, 2015. Collection method: clinical testing. Allele origin: germline.
Comment: The c.565_566insC (p.Glu189AlafsTer44) variant in the PRKAR1A gene is predicted to introduce a premature translation termination codon. It is predicted to cause loss of normal protein function either through abnormal, prematurely truncated protein, or by absence of protein product due to nonsense-mediated mRNA decay. This variant was not observed in the general population (gnomAD database). Loss-of-function variants in PRKAR1A have been identified in multiple individual with Carney complex (PMID: 11115848, 10974026). For these reasons, this variant has been classified as Likely Pathogenic.